The following is an entry in ClinVar:

NM_005026.5(PIK3CD):c.1002C>G (p.Asn334Lys)

Gene: PIK3CD (phosphatidylinositol-4,5-bisphosphate 3-kinase catalytic subunit delta; plus strand). Cytogenetic location: 1p36.22.
Variant type: single nucleotide variant.
Coding change: c.1002C>G on transcript NM_005026.5 (MANE Select); coding-DNA position 1002, C replaced by G.
Protein change: p.Asn334Lys; replaces asparagine 334 with lysine.
Molecular consequence: missense variant.
Genome position (GRCh38, 1-based): chr1:9,717,608, C>G. VCF-style: chr1-9717608-C-G. GRCh37 (hg19) VCF-style: chr1-9777666-C-G.
Other names: NM_005026.5(PIK3CD):c.1002C>G; p.Asn334Lys; c.1002C>G (LRG_191t1); c.1002C>G, p.Asn334Lys (NM_001350234.2); c.915C>G, p.Asn305Lys (NM_001350235.1); short protein forms N334K, N305K.
Identifiers: ClinVar variation 578525 (VCV000578525.7), dbSNP rs28730670, ClinGen allele CA338301874.

ClinVar aggregate classification (germline): Likely pathogenic. Review status: reviewed by expert panel (3 of 4 stars). 2 submissions from 2 submitters: Likely pathogenic (1). 1 of the submissions does not count toward it. Last evaluated 2025-12-19.

Conditions:
Immunodeficiency 14 (IMD14A). Also called: p110-DELTA-ACTIVATING MUTATION CAUSING SENESCENT T CELLS, LYMPHADENOPATHY, AND IMMUNODEFICIENCY; IMMUNODEFICIENCY 14A WITH LYMPHOPROLIFERATION, AUTOSOMAL DOMINANT; ACTIVATED PI3K-DELTA SYNDROME 1; Activated PI3K Delta Syndrome Type 1 (APDS1). Identifiers: Orphanet 397596, Orphanet 693661, MedGen C5907821, MONDO:0014222, OMIM 615513.

Submissions (2):

ClinGen Primary Immune Regulatory Disorders Variant Curation Expert Panel, ClinGen
Classification: Likely pathogenic for Immunodeficiency 14. Last evaluated: 2025-12-19. Review status: reviewed by expert panel. Criteria: ClinGen AbDef ACMG Specifications PIK3CD V1.0.0. Collection method: curation. Allele origin: germline. Inheritance: Autosomal dominant inheritance.
Comment: NM_005026.5(PIK3CD):c.1002C>G (p.Asn334Lys) is a missense variant replacing asparagine with lysine at amino acid 334. Another variant at the same nucleotide, NM_005026.5(PIK3CD):c.1002C>A (p.Asn334Lys) encodes the same missense change and has been previously classified as likely pathogenic by the ClinGen Antibody Deficiencies VCEP (PMID: 24165795). Neither change has been predicted to affect splicing (all SpliceAI Δ scores 0.00-0.01, PS1_Moderate). This variant is absent from gnomAD v4.1.0 (PM2_Supporting). At least one patient with this variant had a clinical phenotype that included recurrent sinopulmonary infections and chronic lung disease with bronchiectasis (4 pts), autoimmune thrombocytopenia (1 pt), headache and meningitis with seizures (0.5 pts), cholelithiasis and portal hypertension (1 pt), decreased circulating antibody level (0.5 pts), lymphadenopathy and lymphoid nodular hyperplasia (4 pts), and persistent CMV and EBV viremia (3 pts), with genotyping identifying no alternative basis for disease in the PIK3R1 gene, which together are specific for immunodeficiency 14 (14 total points, PMID: 35753512, PP4). The variant was identified as a de novo occurrence in the proband with unconfirmed parental relationships, with the phenotype considered to be highly specific for gene (1 pt, PMID: 35753512, PS2_Moderate). This variant has been reported in 1 possibly distinct proband genotyped by exome sequencing whose available clinical details did not meet the ClinGen Antibody Deficiencies VCEP standard for phenotypic criteria, so they could not be included in PS4_Supporting (PMID: 32888943). The variant has been reported to segregate with immunodeficiency 14 through 2 affected meioses from 1 family, however the extent to which individual family members are affected is unclear, so PP1 is not met (DOI 10.1016/j.clim.2023.109577). The computational predictor REVEL gives a score of 0.441, which is above the ClinGen Antibody Deficiencies VCEP threshold of <0.290 and does not predict a non-damaging effect on PIK3CD function. The computational predictor CADD gives a PHRED score of 17.06, which is below the ClinGen Antibody Deficiencies VCEP threshold of <22.7 and predicts a non-deleterious effect on PIK3CD function. Because the two predictors do not agree on a non-damaging effect, BP4 is not met. The variant is associated with ~40-fold increase in basal lipid kinase activity relative to wild-type PIK3CD, and exhibits a 4-fold higher IC50 for the potent PI3Kδ inhibitor idelalisib (PMID: 28167755). Overexpression of the variant in peripheral blood mononuclear cells triggered ~2-fold increased AKT phosphorylation (PMID: 24165795, PS3_Supporting). In summary, this variant meets the criteria to be classified as likely pathogenic for immunodeficiency 14 based on the ACMG/AMP criteria applied, as specified by the ClinGen Antibody Deficiencies VCEP: PS1_Moderate, PS3_Supporting, PM2_Supporting, PS2_Moderate, and PP4. (VCEP specifications version 1.0.0).

Labcorp Genetics (formerly Invitae), Labcorp
Classification: Pathogenic for Activated PI3K-delta syndrome. Last evaluated: 2023-12-11. Review status: criteria provided, single submitter. Criteria: Invitae Variant Classification Sherloc (09022015). Collection method: clinical testing. Allele origin: germline. Not counted in ClinVar's aggregate classification.
Comment: This sequence change replaces asparagine, which is neutral and polar, with lysine, which is basic and polar, at codon 334 of the PIK3CD protein (p.Asn334Lys). This variant is not present in population databases (gnomAD no frequency). This missense change has been observed in individual(s) with clinical features of activated PIK3 delta syndrome (PMID: 24165795, 35753512; Invitae; external communication). In at least one individual the variant was observed to be de novo. ClinVar contains an entry for this variant (Variation ID: 578525). Advanced modeling of protein sequence and biophysical properties (such as structural, functional, and spatial information, amino acid conservation, physicochemical variation, residue mobility, and thermodynamic stability) performed at Invitae indicates that this missense variant is expected to disrupt PIK3CD protein function with a positive predictive value of 80%. This variant disrupts the p.Asn334 amino acid residue in PIK3CD. Other variant(s) that disrupt this residue have been determined to be pathogenic (PMID: 24165795, 28167755). This suggests that this residue is clinically significant, and that variants that disrupt this residue are likely to be disease-causing. For these reasons, this variant has been classified as Pathogenic.

Literature cited by the submitters: PubMed 24165795 (cited by Labcorp Genetics (formerly Invitae), Labcorp); PubMed 35753512 (cited by Labcorp Genetics (formerly Invitae), Labcorp); PubMed 28167755 (cited by Labcorp Genetics (formerly Invitae), Labcorp).